The following is an entry in ClinVar:

ClinVar aggregate classification (germline): Pathogenic/Likely pathogenic. Review status: criteria provided, multiple submitters, no conflicts (2 of 4 stars). 3 submissions from 3 submitters: Pathogenic (1); Likely pathogenic (1). 1 of the submissions does not count toward it. Last evaluated 2025-06-08.

Conditions:
Smith-Lemli-Opitz syndrome (SLOS). Also called: 7-Dehydrocholesterol reductase deficiency; POLYDACTYLY, SEX REVERSAL, RENAL HYPOPLASIA, AND UNILOBAR LUNG; RSH SYNDROME; RUTLEDGE LETHAL MULTIPLE CONGENITAL ANOMALY SYNDROME; LETHAL ACRODYSGENITAL SYNDROME. Identifiers: Orphanet 818, MedGen C0175694, MONDO:0010035, OMIM 270400.

Allele frequency attached by ClinVar (database versions not stated): TOPMed below 0.00001; gnomAD 0.00001.

Submissions (3):

Natera, Inc.
Classification: Pathogenic for Smith-Lemli-Opitz syndrome. Last evaluated: 2025-06-08. Review status: criteria provided, single submitter. Criteria: Natera Variant Classification Schema (03/2026). Collection method: clinical testing. Allele origin: germline.
Comment: The c.831+2T>A variant in DHCR7 is a canonical splice donor site variant predicted to affect pre-mRNA splicing, which may result in an abnormal transcript and altered protein product. This variant is expected to result in nonsense mediated decay, truncation, or a dysfunctional protein product. This variant is rare in the general population with a frequency below the threshold expected for the associated phenotype(s). Another variant at this same site results in an alteration predicted to cause a similar molecular effect has been observed in individual(s) with the associated phenotype. Given the available evidence, this variant is classified as Pathogenic.

Labcorp Genetics (formerly Invitae), Labcorp
Classification: Likely pathogenic for Smith-Lemli-Opitz syndrome. Last evaluated: 2023-11-13. Review status: criteria provided, single submitter. Criteria: Invitae Variant Classification Sherloc (09022015). Collection method: clinical testing. Allele origin: germline.
Comment: This sequence change affects a donor splice site in intron 7 of the DHCR7 gene. It is expected to disrupt RNA splicing. Variants that disrupt the donor or acceptor splice site typically lead to a loss of protein function (PMID: 16199547), and loss-of-function variants in DHCR7 are known to be pathogenic (PMID: 9634533, 10677299). This variant is not present in population databases (gnomAD no frequency). This variant has not been reported in the literature in individuals affected with DHCR7-related conditions. ClinVar contains an entry for this variant (Variation ID: 370988). Algorithms developed to predict the effect of sequence changes on RNA splicing suggest that this variant may disrupt the consensus splice site. In summary, the currently available evidence indicates that the variant is pathogenic, but additional data are needed to prove that conclusively. Therefore, this variant has been classified as Likely Pathogenic.

Counsyl
Classification: Likely pathogenic for Smith-Lemli-Opitz syndrome. Last evaluated: 2016-06-01. Review status: no assertion criteria provided. Collection method: clinical testing. Allele origin: unknown. Not counted in ClinVar's aggregate classification.

Literature cited by the submitters: PubMed 16199547 (cited by Labcorp Genetics (formerly Invitae), Labcorp); PubMed 9634533 (cited by Labcorp Genetics (formerly Invitae), Labcorp); PubMed 10677299 (cited by Labcorp Genetics (formerly Invitae), Labcorp).

NM_001360.3(DHCR7):c.831+2T>A

Gene: DHCR7 (7-dehydrocholesterol reductase; minus strand). Cytogenetic location: 11q13.4.
Variant type: single nucleotide variant.
Coding change: c.831+2T>A on transcript NM_001360.3 (MANE Select); the canonical splice donor site of the intron after coding-DNA position 831, T replaced by A.
Molecular consequence: splice donor variant.
Genome position (GRCh38, 1-based): chr11:71,438,877, A>T on the plus strand (T>A on the coding strand, the complement: DHCR7 is on the minus strand). VCF-style: chr11-71438877-A-T. GRCh37 (hg19) VCF-style: chr11-71149923-A-T.
Other names: c.831+2T>A (NM_001163817.2).
Identifiers: ClinVar variation 370988 (VCV000370988.15), dbSNP rs1057516920, ClinGen allele CA16041552.